The following is an entry in ClinVar:

ClinVar aggregate classification (germline): Uncertain significance. Review status: criteria provided, multiple submitters, no conflicts (2 of 4 stars). 2 submissions from 2 submitters: Uncertain significance (2). Last evaluated 2024-11-17.

Conditions:
Inborn genetic diseases. Identifiers: MedGen C0950123, MeSH D030342.

Allele frequency attached by ClinVar (database versions not stated): gnomAD 0.00001; ExAC 0.00002; TOPMed 0.00002; ESP Exome Variant Server 0.00008.
gnomAD v4.1: 92 of 1,613,966 alleles (0.0057%); highest among the groups gnomAD compares: Non-Finnish European, 0.0077%; no homozygotes.

Submissions (2):

Ambry Genetics
Classification: Uncertain significance for Inborn genetic diseases. Last evaluated: 2024-11-17. Review status: criteria provided, single submitter. Criteria: Ambry Variant Classification Scheme 2023. Collection method: clinical testing. Allele origin: germline.
Comment: The p.L344P variant (also known as c.1031T>C), located in coding exon 9 of the ANKRD26 gene, results from a T to C substitution at nucleotide position 1031. The leucine at codon 344 is replaced by proline, an amino acid with similar properties. This amino acid position is conserved. In addition, this alteration is predicted to be tolerated by in silico analysis. Based on the available evidence, the clinical significance of this variant remains unclear.

GeneDx
Classification: Uncertain significance. Last evaluated: 2024-08-16. Review status: criteria provided, single submitter. Criteria: GeneDx Variant Classification Process June 2021. Collection method: clinical testing. Allele origin: germline.
Comment: Not observed at significant frequency in large population cohorts (gnomAD); In silico analysis indicates that this missense variant does not alter protein structure/function; Has not been previously published as pathogenic or benign to our knowledge

NM_014915.3(ANKRD26):c.1031T>C (p.Leu344Pro)

Gene: ANKRD26 (ankyrin repeat domain 26; minus strand). Cytogenetic location: 10p12.1.
Variant type: single nucleotide variant.
Coding change: c.1031T>C on transcript NM_014915.3 (MANE Select); coding-DNA position 1031, T replaced by C.
Protein change: p.Leu344Pro; replaces leucine 344 with proline.
Molecular consequence: missense variant.
Genome position (GRCh38, 1-based): chr10:27,077,384, A>G on the plus strand (T>C on the coding strand, the complement: ANKRD26 is on the minus strand). VCF-style: chr10-27077384-A-G. GRCh37 (hg19) VCF-style: chr10-27366313-A-G.
Other names: c.1031T>C, p.Leu344Pro (NM_001256053.2); short protein forms L344P.
Identifiers: ClinVar variation 2662436 (VCV002662436.3), dbSNP rs377461416, ClinGen allele CA5448713.
Genomic context (GRCh38, chr10:27,077,384, plus strand): 5'-AAAAAACAACTTACCTTCATAAGACCAGGGTTTGCTAACGACTTGTGGGAAGGTTTTGGA[A>G]GAAGGTCAGGTGATTGATAGGTAGGATGAGAAAAGCACTGGACTTTGATTGATGTTGTAG-3'
Protein context (NP_055730.2, residues 334-354): SHPTYQSPDL[Leu344Pro]PKPSHKSLAN